The following is an entry in ClinVar:

NM_172351.3(CD46):c.430A>C (p.Lys144Gln)

Gene: CD46 (CD46 molecule; plus strand). Cytogenetic location: 1q32.2.
Variant type: single nucleotide variant.
Coding change: c.430A>C on transcript NM_172351.3 (MANE Select); coding-DNA position 430, A replaced by C.
Protein change: p.Lys144Gln; replaces lysine 144 with glutamine.
Molecular consequence: missense variant.
Genome position (GRCh38, 1-based): chr1:207,759,679, A>C. VCF-style: chr1-207759679-A-C. GRCh37 (hg19) VCF-style: chr1-207933024-A-C.
Other names: c.430A>C, p.Lys144Gln (NM_002389.4, NM_153826.4, NM_172350.3 and 8 more transcripts); short protein forms K144Q.
Identifiers: ClinVar variation 4741673 (VCV004741673.1).

ClinVar aggregate classification (germline): Uncertain significance (1 of 4 stars; one submission).

gnomAD v4.1: 3 of 1,605,612 alleles (0.00019%); highest among the groups gnomAD compares: Admixed American, 0.0017%; no homozygotes.

Submission:

Labcorp Genetics (formerly Invitae), Labcorp
Classification: Uncertain significance. Last evaluated: 2025-08-11. Review status: criteria provided, single submitter. Criteria: Invitae Variant Classification Sherloc (09022015). Collection method: clinical testing. Allele origin: germline.
Comment: This sequence change replaces lysine, which is basic and polar, with glutamine, which is neutral and polar, at codon 144 of the CD46 protein (p.Lys144Gln). This variant is present in population databases (no rsID available, gnomAD 0.003%). This variant has not been reported in the literature in individuals affected with CD46-related conditions. Invitae Evidence Modeling of protein sequence and biophysical properties (such as structural, functional, and spatial information, amino acid conservation, physicochemical variation, residue mobility, and thermodynamic stability) indicates that this missense variant is not expected to disrupt CD46 protein function with a negative predictive value of 80%. In summary, the available evidence is currently insufficient to determine the role of this variant in disease. Therefore, it has been classified as a Variant of Uncertain Significance.